The following is an entry in ClinVar:

ClinVar aggregate classification (germline): Benign/Likely benign. Review status: criteria provided, multiple submitters, no conflicts (2 of 4 stars). 4 submissions from 4 submitters: Benign (2); Likely benign (2). Last evaluated 2025-07-23.

Conditions:
Emery-Dreifuss muscular dystrophy 5, autosomal dominant (EDMD5). Also called: EMERY-DREIFUSS MUSCULAR DYSTROPHY 5. Identifiers: Orphanet 261, MedGen C2751805, MONDO:0013072, OMIM 612999.

Allele frequency attached by ClinVar (database versions not stated): ESP Exome Variant Server 0.00008; gnomAD 0.00017 and 0.00023; TOPMed 0.00019; 1000 Genomes Project 30x 0.00047; 1000 Genomes Project 0.00060.
gnomAD v4.1: 621 of 1,614,146 alleles (0.038%); highest among the groups gnomAD compares: Middle Eastern, 0.38%; 5 homozygotes.

Submissions (4):

Labcorp Genetics (formerly Invitae), Labcorp
Classification: Likely benign for Emery-Dreifuss muscular dystrophy 5, autosomal dominant. Last evaluated: 2025-07-23. Review status: criteria provided, single submitter. Criteria: Invitae Variant Classification Sherloc (09022015). Collection method: clinical testing. Allele origin: germline.

CeGaT Center for Human Genetics Tuebingen
Classification: Benign. Last evaluated: 2022-07-01. Review status: criteria provided, single submitter. Criteria: CeGaT Center For Human Genetics Tuebingen Variant Classification Criteria Version 2. Collection method: clinical testing. Allele origin: germline. Affected: yes. Observed: 1 variant allele.
Comment: SYNE2: BS1, BS2

Illumina Laboratory Services, Illumina
Classification: Benign for Emery-Dreifuss muscular dystrophy 5, autosomal dominant. Last evaluated: 2018-01-13. Review status: criteria provided, single submitter. Criteria: ICSL Variant Classification Criteria 13 December 2019. Collection method: clinical testing. Allele origin: germline.
Comment: This variant was observed in the ICSL laboratory as part of a predisposition screen in an ostensibly healthy population. It had not been previously curated by ICSL or reported in the Human Gene Mutation Database (HGMD: prior to June 1st, 2018), and was therefore a candidate for classification through an automated scoring system. Utilizing variant allele frequency, disease prevalence and penetrance estimates, and inheritance mode, an automated score was calculated to assess if this variant is too frequent to cause the disease. Based on the score and internal cut-off values, a variant classified as benign is not then subjected to further curation. The score for this variant resulted in a classification of benign for this disease.

Eurofins Ntd Llc (ga)
Classification: Likely benign. Last evaluated: 2015-10-06. Review status: criteria provided, single submitter. Criteria: EGL Classification Definitions 2015. Collection method: clinical testing. Allele origin: germline. Observed: 1 variant allele, 1 heterozygote.

NM_182914.3(SYNE2):c.19417G>C (p.Asp6473His)

Gene: SYNE2 (spectrin repeat containing nuclear envelope protein 2; plus strand). Cytogenetic location: 14q23.2.
Variant type: single nucleotide variant.
Coding change: c.19417G>C on transcript NM_182914.3 (MANE Select); coding-DNA position 19417, G replaced by C.
Protein change: p.Asp6473His; replaces aspartic acid 6473 with histidine.
Molecular consequence: missense variant. On other transcripts: 5 prime UTR variant (1).
Genome position (GRCh38, 1-based): chr14:64,216,262, G>C. VCF-style: chr14-64216262-G-C. GRCh37 (hg19) VCF-style: chr14-64682980-G-C.
Other names: c.19348G>C, p.Asp6450His (NM_015180.6); c.-60G>C (NM_182910.2); c.319G>C, p.Asp107His (NM_182913.4); short protein forms D6473H, D107H, D6450H.
Identifiers: ClinVar variation 283407 (VCV000283407.45), dbSNP rs140940287, ClinGen allele CA7224441.